The following is an entry in ClinVar:

NM_000264.5(PTCH1):c.202-75_202-58dup

Genes: PTCH1 (patched 1; minus strand), LOC130002132 (ATAC-STARR-seq lymphoblastoid silent region 20069; plus strand). Cytogenetic location: 9q22.32.
Variant type: Duplication.
Coding change: c.202-75_202-58dup on transcript NM_000264.5 (MANE Select); 75 bases into the intron before coding-DNA position 202 through 58 bases into the intron before coding-DNA position 202, 18 bases duplicated (GGTGCGCGCAAGCGGGCG).
Molecular consequence: intron variant.
Genome position (GRCh38, 1-based): chr9:95,506,657-95,506,674, CGCCCGCTTGCGCGCACC duplicated on the plus strand (GGTGCGCGCAAGCGGGCG on the coding strand, the reverse complement: PTCH1 is on the minus strand); duplicating any 18 consecutive bases within chr9:95,506,657-95,506,680 gives the same sequence; the c. name uses the placement nearest the transcript's 3' end. VCF-style (leftmost placement, unchanged base first): chr9-95506656-A-ACGCCCGCTTGCGCGCACC. GRCh37 (hg19) VCF-style: chr9-98268938-A-ACGCCCGCTTGCGCGCACC.
Other names: c.199-75_199-58dup (NM_001083603.3); c.4-75_4-58dup (NM_001083602.3, NM_001354919.2); c.202-75_202-58dup (NM_001354918.2); c.-252-75_-252-58dup (NM_001083605.3, NM_001083604.3, NM_001083606.3 and 1 more transcripts).
Identifiers: ClinVar variation 674133 (VCV000674133.1), dbSNP rs772121315, ClinGen allele CA196553593.

ClinVar aggregate classification (germline): Benign (1 of 4 stars; one submission).

Submission:

GeneDx
Classification: Benign. Last evaluated: 2018-06-14. Review status: criteria provided, single submitter. Criteria: GeneDx Variant Classification (06012015). Collection method: clinical testing. Allele origin: germline. Affected: yes.
Comment: This variant is considered likely benign or benign based on one or more of the following criteria: it is a conservative change, it occurs at a poorly conserved position in the protein, it is predicted to be benign by multiple in silico algorithms, and/or has population frequency not consistent with disease.